The following is an entry in ClinVar:

NM_000138.5(FBN1):c.1510T>C (p.Cys504Arg)

Gene: FBN1 (fibrillin 1; minus strand). Cytogenetic location: 15q21.1.
Variant type: single nucleotide variant.
Coding change: c.1510T>C on transcript NM_000138.5 (MANE Select); coding-DNA position 1510, T replaced by C.
Protein change: p.Cys504Arg; replaces cysteine 504 with arginine.
Molecular consequence: missense variant.
Genome position (GRCh38, 1-based): chr15:48,513,627, A>G on the plus strand (T>C on the coding strand, the complement: FBN1 is on the minus strand). VCF-style: chr15-48513627-A-G. GRCh37 (hg19) VCF-style: chr15-48805824-A-G.
Other names: short protein forms C504R.
Identifiers: ClinVar variation 549020 (VCV000549020.12), dbSNP rs1555400288, ClinGen allele CA392342617.

ClinVar aggregate classification (germline): Pathogenic/Likely pathogenic. Review status: criteria provided, multiple submitters, no conflicts (2 of 4 stars). 4 submissions from 4 submitters: Pathogenic (1); Likely pathogenic (2). 1 of the submissions does not count toward it. Last evaluated 2024-10-08.

Conditions:
Marfan syndrome (MFS). Also called: Marfan syndrome type 1; Marfan syndrome, classic; Marfan's syndrome; FBN1-Related Marfan Syndrome; MARFAN SYNDROME, TYPE I. Identifiers: Orphanet 284963, Orphanet 558, MedGen C0024796, MONDO:0007947, OMIM 154700.
Familial thoracic aortic aneurysm and aortic dissection (TAAD). Also called: Thoracic aortic aneurysms and dissections. Identifiers: Orphanet 91387, MedGen C4707243, MONDO:0019625.

Submissions (4):

GeneDx
Classification: Likely pathogenic. Last evaluated: 2024-10-08. Review status: criteria provided, single submitter. Criteria: GeneDx Variant Classification Process June 2021. Collection method: clinical testing. Allele origin: germline. Affected: yes.
Comment: Has been reported in individuals with Marfan syndrome or FBN1-related disorders (PMID: 17657824, 17627385); Not observed at significant frequency in large population cohorts (gnomAD); In silico analysis supports that this missense variant has a deleterious effect on protein structure/function; Functional analysis suggests that this variant does not affect splicing (PMID: 32123317, 34663891, 21895641); Affects a cysteine residue within an EGF-like domain of the FBN1 gene, which may affect disulfide bonding and is predicted to alter the structure and function of the protein; cysteine substitutions in the EGF-like domains represent the majority of pathogenic missense changes associated with FBN1-related disorders (PMID: 12938084); This variant is associated with the following publications: (PMID: 32123317, 21895641, 17657824, 34663891, 17627385, 12938084)

Labcorp Genetics (formerly Invitae), Labcorp
Classification: Pathogenic for Marfan syndrome; Familial thoracic aortic aneurysm and aortic dissection. Last evaluated: 2023-10-11. Review status: criteria provided, single submitter. Criteria: Invitae Variant Classification Sherloc (09022015). Collection method: clinical testing. Allele origin: germline.
Comment: This sequence change replaces cysteine, which is neutral and slightly polar, with arginine, which is basic and polar, at codon 504 of the FBN1 protein (p.Cys504Arg). This variant is not present in population databases (gnomAD no frequency). This missense change has been observed in individuals with Marfan syndrome or FBN1-related disease (PMID: 17627385, 17657824, 21895641; Invitae). ClinVar contains an entry for this variant (Variation ID: 549020). Advanced modeling of protein sequence and biophysical properties (such as structural, functional, and spatial information, amino acid conservation, physicochemical variation, residue mobility, and thermodynamic stability) performed at Invitae indicates that this missense variant is expected to disrupt FBN1 protein function. This variant affects a cysteine residue in the EGF-like, TGFBP or hybrid motif domains of FBN1. Cysteine residues are believed to be involved in intramolecular disulfide bridges and have been shown to be important for FBN1 protein structure (PMID: 16905551, 19349279). In addition, missense substitutions affecting cysteine residues within these domains are significantly overrepresented among patients with Marfan syndrome (PMID: 16571647, 17701892). This variant disrupts the p.Cys504 amino acid residue in FBN1. Other variant(s) that disrupt this residue have been observed in individuals with FBN1-related conditions (PMID: 10425041, 17627385), which suggests that this may be a clinically significant amino acid residue. For these reasons, this variant has been classified as Pathogenic.

MGZ Medical Genetics Center
Classification: Likely pathogenic for Marfan syndrome. Last evaluated: 2021-12-13. Review status: criteria provided, single submitter. Criteria: ACMG Guidelines, 2015. Collection method: clinical testing. Allele origin: germline. Affected: yes. Observed: 1 variant allele.
Comment: ACMG criteria applied: PS4, PM2_SUP, PP3

Center for Medical Genetics Ghent, University of Ghent
Classification: Pathogenic for Marfan syndrome. Last evaluated: 2017-11-07. Review status: no assertion criteria provided. Collection method: clinical testing. Allele origin: germline. Affected: yes. Not counted in ClinVar's aggregate classification.

Literature cited by the submitters: PubMed 17627385 (cited by Labcorp Genetics (formerly Invitae), Labcorp); PubMed 17657824 (cited by Labcorp Genetics (formerly Invitae), Labcorp); PubMed 21895641 (cited by Labcorp Genetics (formerly Invitae), Labcorp); PubMed 16905551 (cited by Labcorp Genetics (formerly Invitae), Labcorp); PubMed 19349279 (cited by Labcorp Genetics (formerly Invitae), Labcorp); PubMed 16571647 (cited by Labcorp Genetics (formerly Invitae), Labcorp); PubMed 17701892 (cited by Labcorp Genetics (formerly Invitae), Labcorp); PubMed 10425041 (cited by Labcorp Genetics (formerly Invitae), Labcorp).